The following is an entry in ClinVar:

NM_001205293.3(CACNA1E):c.2587C>G (p.Arg863Gly)

Gene: CACNA1E (calcium voltage-gated channel subunit alpha1 E; plus strand). Cytogenetic location: 1q25.3.
Variant type: single nucleotide variant.
Coding change: c.2587C>G on transcript NM_001205293.3 (MANE Select); coding-DNA position 2587, C replaced by G.
Protein change: p.Arg863Gly; replaces arginine 863 with glycine.
Molecular consequence: missense variant.
Genome position (GRCh38, 1-based): chr1:181,732,673, C>G. VCF-style: chr1-181732673-C-G. GRCh37 (hg19) VCF-style: chr1-181701809-C-G.
Other names: c.2587C>G, p.Arg863Gly (NM_000721.4); c.2530C>G, p.Arg844Gly (NM_001205294.2); short protein forms R844G, R863G.
Identifiers: ClinVar variation 2807937 (VCV002807937.3), dbSNP rs1329166095, ClinGen allele CA343617956.

ClinVar aggregate classification (germline): Uncertain significance (1 of 4 stars; one submission).

Allele frequency attached by ClinVar (database versions not stated): gnomAD 0.00001.
gnomAD v4.1: 5 of 1,522,698 alleles (0.00033%); highest among the groups gnomAD compares: Non-Finnish European, 0.00044%; no homozygotes.

Submission:

Labcorp Genetics (formerly Invitae), Labcorp
Classification: Uncertain significance. Last evaluated: 2025-02-10. Review status: criteria provided, single submitter. Criteria: Invitae Variant Classification Sherloc (09022015). Collection method: clinical testing. Allele origin: germline.
Comment: This sequence change replaces arginine, which is basic and polar, with glycine, which is neutral and non-polar, at codon 863 of the CACNA1E protein (p.Arg863Gly). This variant is not present in population databases (gnomAD no frequency). This variant has not been reported in the literature in individuals affected with CACNA1E-related conditions. ClinVar contains an entry for this variant (Variation ID: 2807937). Invitae Evidence Modeling of protein sequence and biophysical properties (such as structural, functional, and spatial information, amino acid conservation, physicochemical variation, residue mobility, and thermodynamic stability) indicates that this missense variant is not expected to disrupt CACNA1E protein function with a negative predictive value of 95%. In summary, the available evidence is currently insufficient to determine the role of this variant in disease. Therefore, it has been classified as a Variant of Uncertain Significance.